The following is an entry in ClinVar:

NM_000330.4(RS1):c.379C>A (p.Leu127Met)

Genes: CDKL5 (cyclin dependent kinase like 5; plus strand), RS1 (retinoschisin 1; minus strand). Cytogenetic location: Xp22.13.
Variant type: single nucleotide variant.
Coding change: c.379C>A on transcript NM_000330.4 (MANE Select); coding-DNA position 379, C replaced by A.
Protein change: p.Leu127Met; replaces leucine 127 with methionine.
Molecular consequence: missense variant. On other transcripts: intron variant (2).
Genome position (GRCh38, 1-based): chrX:18,644,573, G>T on the plus strand (C>A on the coding strand, the complement: RS1 is on the minus strand). VCF-style: chrX-18644573-G-T. GRCh37 (hg19) VCF-style: chrX-18662693-G-T.
Other names: c.2714-1434G>T (NM_003159.3, NM_001037343.2); short protein forms L127M.
Identifiers: ClinVar variation 1058685 (VCV001058685.9), dbSNP rs1927703033, ClinGen allele CA412372155.

ClinVar aggregate classification (germline): Uncertain significance (1 of 4 stars; one submission).

Submission:

Labcorp Genetics (formerly Invitae), Labcorp
Classification: Uncertain significance. Last evaluated: 2021-04-14. Review status: criteria provided, single submitter. Criteria: Invitae Variant Classification Sherloc (09022015). Collection method: clinical testing. Allele origin: germline.
Comment: In summary, the available evidence is currently insufficient to determine the role of this variant in disease. Therefore, it has been classified as a Variant of Uncertain Significance. Advanced modeling of protein sequence and biophysical properties (such as structural, functional, and spatial information, amino acid conservation, physicochemical variation, residue mobility, and thermodynamic stability) performed at Invitae indicates that this missense variant is expected to disrupt RS1 protein function. This variant has not been reported in the literature in individuals with RS1-related conditions. This variant is not present in population databases (ExAC no frequency). This sequence change replaces leucine with methionine at codon 127 of the RS1 protein (p.Leu127Met). The leucine residue is highly conserved and there is a small physicochemical difference between leucine and methionine.